The following is an entry in ClinVar:

ClinVar aggregate classification (germline): Uncertain significance (1 of 4 stars; one submission).

Allele frequency attached by ClinVar (database versions not stated): gnomAD exomes below 0.00001; gnomAD 0.00001; TOPMed 0.00002; ESP Exome Variant Server 0.00015.
gnomAD v4.1: 8 of 1,604,426 alleles (0.0005%); highest among the groups gnomAD compares: Admixed American, 0.0017%; no homozygotes.

Submission:

Labcorp Genetics (formerly Invitae), Labcorp
Classification: Uncertain significance. Last evaluated: 2024-11-13. Review status: criteria provided, single submitter. Criteria: Invitae Variant Classification Sherloc (09022015). Collection method: clinical testing. Allele origin: germline.
Comment: This sequence change replaces asparagine, which is neutral and polar, with serine, which is neutral and polar, at codon 3772 of the FAT2 protein (p.Asn3772Ser). This variant is present in population databases (rs370606904, gnomAD 0.003%). This variant has not been reported in the literature in individuals affected with FAT2-related conditions. ClinVar contains an entry for this variant (Variation ID: 2961996). An algorithm developed to predict the effect of missense changes on protein structure and function (PolyPhen-2) suggests that this variant is likely to be tolerated. In summary, the available evidence is currently insufficient to determine the role of this variant in disease. Therefore, it has been classified as a Variant of Uncertain Significance.

NM_001447.3(FAT2):c.11315A>G (p.Asn3772Ser)

Genes: FAT2 (FAT atypical cadherin 2; minus strand), SLC36A1 (solute carrier family 36 member 1; plus strand). Cytogenetic location: 5q33.1.
Variant type: single nucleotide variant.
Coding change: c.11315A>G on transcript NM_001447.3 (MANE Select); coding-DNA position 11315, A replaced by G.
Protein change: p.Asn3772Ser; replaces asparagine 3772 with serine.
Molecular consequence: missense variant.
Genome position (GRCh38, 1-based): chr5:151,521,278, T>C on the plus strand (A>G on the coding strand, the complement: FAT2 is on the minus strand). VCF-style: chr5-151521278-T-C. GRCh37 (hg19) VCF-style: chr5-150900839-T-C.
Other names: short protein forms N3772S.
Identifiers: ClinVar variation 2961996 (VCV002961996.3), dbSNP rs370606904, ClinGen allele CA129931755.